The following is an entry in ClinVar:

ClinVar aggregate classification (germline): Uncertain significance (1 of 4 stars; one submission).

Submission:

GeneDx
Classification: Uncertain significance. Last evaluated: 2025-08-26. Review status: criteria provided, single submitter. Criteria: GeneDx Variant Classification Process June 2021. Collection method: clinical testing. Allele origin: germline.
Comment: Not observed at significant frequency in large population cohorts (gnomAD); In silico analysis suggests that this missense variant does not alter protein structure/function; Has not been previously published as pathogenic or benign to our knowledge

NM_001375524.1(TRRAP):c.6712A>C (p.Ser2238Arg)

Gene: TRRAP (transformation/transcription domain associated protein; plus strand). Cytogenetic location: 7q22.1.
Variant type: single nucleotide variant.
Coding change: c.6712A>C on transcript NM_001375524.1 (MANE Select); coding-DNA position 6712, A replaced by C.
Protein change: p.Ser2238Arg; replaces serine 2238 with arginine.
Molecular consequence: missense variant.
Genome position (GRCh38, 1-based): chr7:98,962,310, A>C. VCF-style: chr7-98962310-A-C. GRCh37 (hg19) VCF-style: chr7-98559933-A-C.
Other names: c.6691A>C, p.Ser2231Arg (NM_001244580.2); c.6637A>C, p.Ser2213Arg (NM_003496.4); short protein forms S2213R, S2231R, S2238R.
Identifiers: ClinVar variation 3369436 (VCV003369436.2).